The following continues an entry in ClinVar:

NM_000016.6(ACADM):c.799G>A (p.Gly267Arg)

Gene: ACADM. ClinVar aggregate classification (germline): Pathogenic/Likely pathogenic. Pathogenic (31); Likely pathogenic (1).

Submissions 26 to 34 of 34:

Women's Health and Genetics/Laboratory Corporation of America, LabCorp
Classification: Pathogenic for Medium-chain acyl-coenzyme A dehydrogenase deficiency. Last evaluated: 2016-09-22. Review status: criteria provided, single submitter. Criteria: LabCorp Variant Classification Summary - May 2015. Collection method: clinical testing. Allele origin: germline.
Comment: Variant summary: The ACADM c.799G>A (p.Gly267Arg) variant involves the alteration of a conserved nucleotide. 5/5 in silico tools predict a damaging outcome for this variant, which was confirmed by at least one functional study (Sturm_2012). This variant was found in 26/121212 control chromosomes at a frequency of 0.0002145, which does not exceed the estimated maximal expected allele frequency of a pathogenic ACADM variant (0.0054233). The variant has been reported in numerous affected individuals in the literature in both the homozygous and compound heterozygous state (Andresen_2012, Sturm_2012, Gramer_2015). In addition, multiple clinical diagnostic laboratories/reputable databases classified this variant as pathogenic. Taken together, this variant is classified as pathogenic.

Center for Pediatric Genomic Medicine, Children's Mercy Hospital and Clinics
Classification: Pathogenic. Last evaluated: 2016-02-23. Review status: criteria provided, single submitter. Criteria: ACMG Guidelines, 2015. Collection method: clinical testing. Allele origin: germline.

Eurofins Ntd Llc (ga)
Classification: Pathogenic. Last evaluated: 2014-10-23. Review status: criteria provided, single submitter. Criteria: EGL Classification Definitions 2015. Collection method: clinical testing. Allele origin: germline. Observed: 5 variant alleles, 4 heterozygotes, 1 homozygote.

Juno Genomics, Hangzhou Juno Genomics, Inc
Classification: Pathogenic for Medium-chain acyl-coenzyme A dehydrogenase deficiency. Review status: criteria provided, single submitter. Criteria: ACMG Guidelines, 2015. Collection method: clinical testing. Allele origin: germline.
Comment: Absent from controls (or at extremely low frequency if recessive) in Genome Aggregation Database.;Well-established in vitro or in vivo functional studies supportive of a damaging effect on the gene or gene product.;For recessive disorders, detected in trans with a pathogenic variant.

Kariminejad - Najmabadi Pathology & Genetics Center
Classification: Pathogenic for Medium-chain acyl-coenzyme A dehydrogenase deficiency. Review status: criteria provided, single submitter. Criteria: ACMG Guidelines, 2015. Collection method: clinical testing. Allele origin: germline. Affected: no.

Neuberg Centre For Genomic Medicine, NCGM
Classification: Pathogenic for Deficiency of butyryl-CoA dehydrogenase. Review status: criteria provided, single submitter. Criteria: ACMG Guidelines, 2015. Collection method: clinical testing. Allele origin: germline. Inheritance: Autosomal recessive inheritance. Affected: yes.

UNC Molecular Genetics  Laboratory, University of North Carolina at Chapel Hill
Classification: Pathogenic for Medium-chain acyl-coenzyme A dehydrogenase deficiency. Review status: criteria provided, single submitter. Criteria: ACMG Guidelines, 2015. Collection method: research. Allele origin: germline. Affected: yes. Observed: 1 variant allele. Study: NSIGHT-NC NEXUS.
Comment: The ACADM c.799G>A (p.G267R) variant has been previously reported as pathogenic. The variant has been found in the homozygous or compound heterozygous state in individuals with medium-chain acyl-coA dehydrogenase deficiency (PMID: 1684086; 11409868; 23028790).

Undiagnosed Diseases Network, NIH
Classification: Pathogenic for Medium-chain acyl-coenzyme A dehydrogenase deficiency. Last evaluated: 2020-04-30. Review status: no assertion criteria provided. Collection method: clinical testing. Allele origin: paternal. Affected: yes. Observed: 1 variant allele, 1 compound heterozygote. Study: Undiagnosed Diseases Network (NIH), UDN. Not counted in ClinVar's aggregate classification.

OMIM
Classification: Pathogenic for MCAD DEFICIENCY. Last evaluated: 1991-12-01. Review status: no assertion criteria provided. Collection method: literature only. Allele origin: germline. Not counted in ClinVar's aggregate classification.

Literature cited by the submitters: PubMed 1684086 (cited by 12 submitters); PubMed 16291504 (cited by Labcorp Genetics (formerly Invitae), Labcorp); PubMed 22848008 (cited by Labcorp Genetics (formerly Invitae), Labcorp and Illumina Laboratory Services, Illumina); PubMed 23028790 (cited by 9 submitters); PubMed 9158144 (cited by 5 submitters); PubMed 24966162 (cited by 7 submitters); PubMed 20434380 (cited by 3 submitters); PubMed 31012112 (cited by Variantyx, Inc.); PubMed 2848008 (cited by Variantyx, Inc.); PubMed 11409868 (cited by 5 submitters); PubMed 21083904 (cited by Mayo Clinic Laboratories, Mayo Clinic); PubMed 25940036 (cited by Mayo Clinic Laboratories, Mayo Clinic and Women's Health and Genetics/Laboratory Corporation of America, LabCorp); PubMed 41022664 (cited by Department of Genetics of Metabolic Diseases, Institute of Medical & Molecular Genetics, Hospital Universitario Hospital La Paz); PubMed 20036593 (cited by Myriad Genetics, Inc.); PubMed 23798014 (cited by Myriad Genetics, Inc.); PubMed 22542437 (cited by Myriad Genetics, Inc. and Women's Health and Genetics/Laboratory Corporation of America, LabCorp); PubMed 15832312 (cited by Illumina Laboratory Services, Illumina); PubMed 20301597 (cited by UNC Molecular Genetics  Laboratory, University of North Carolina at Chapel Hill); PubMed 25087612 (cited by Undiagnosed Diseases Network, NIH); PubMed 22975760 (cited by Undiagnosed Diseases Network, NIH).